The following is an entry in ClinVar:

ClinVar aggregate classification (germline): Uncertain significance. Review status: criteria provided, multiple submitters, no conflicts (2 of 4 stars). 5 submissions from 5 submitters: Uncertain significance (4). 1 of the submissions does not count toward it. Last evaluated 2025-12-16.

Conditions:
Inborn genetic diseases. Identifiers: MedGen C0950123, MeSH D030342.
BBS4-related disorder. Also called: BBS4-related condition.
Bardet-Biedl syndrome (BBS). Identifiers: Orphanet 110, MedGen C0752166, MONDO:0015229.
Bardet-Biedl syndrome 4 (BBS4). Identifiers: Orphanet 110, MedGen C2936864, MONDO:0014433, OMIM 615982.

Allele frequency attached by ClinVar (database versions not stated): gnomAD 0.00003 and 0.00001; gnomAD exomes 0.00004 and 0.00002; ExAC 0.00007; TOPMed 0.00001; 1000 Genomes Project 0.00060; 1000 Genomes Project 30x 0.00062.
gnomAD v4.1: 37 of 1,614,126 alleles (0.0023%); highest among the groups gnomAD compares: South Asian, 0.035%; no homozygotes.

Submissions (5):

Ambry Genetics
Classification: Uncertain significance for Inborn genetic diseases. Last evaluated: 2025-12-16. Review status: criteria provided, single submitter. Criteria: Ambry Variant Classification Scheme 2023. Collection method: clinical testing. Allele origin: germline.

Labcorp Genetics (formerly Invitae), Labcorp
Classification: Uncertain significance for Bardet-Biedl syndrome. Last evaluated: 2022-09-13. Review status: criteria provided, single submitter. Criteria: Invitae Variant Classification Sherloc (09022015). Collection method: clinical testing. Allele origin: germline.
Comment: This sequence change replaces leucine, which is neutral and non-polar, with proline, which is neutral and non-polar, at codon 411 of the BBS4 protein (p.Leu411Pro). This variant is present in population databases (rs569462424, gnomAD 0.04%). This variant has not been reported in the literature in individuals affected with BBS4-related conditions. ClinVar contains an entry for this variant (Variation ID: 1339322). Algorithms developed to predict the effect of missense changes on protein structure and function (SIFT, PolyPhen-2, Align-GVGD) all suggest that this variant is likely to be tolerated. In summary, the available evidence is currently insufficient to determine the role of this variant in disease. Therefore, it has been classified as a Variant of Uncertain Significance.

Fulgent Genetics
Classification: Uncertain significance for Bardet-Biedl syndrome 4. Last evaluated: 2021-12-28. Review status: criteria provided, single submitter. Criteria: ACMG Guidelines, 2015. Collection method: clinical testing. Allele origin: unknown.

Molecular Endocrinology Laboratory, Christian Medical College
Classification: Uncertain significance for Bardet-Biedl syndrome 4. Review status: criteria provided, single submitter. Criteria: ACMG Guidelines, 2015. Collection method: clinical testing. Allele origin: germline. Affected: yes.

PreventionGenetics, part of Exact Sciences
Classification: Uncertain significance for BBS4-related condition. Last evaluated: 2024-01-05. Review status: no assertion criteria provided. Collection method: clinical testing. Allele origin: germline. Not counted in ClinVar's aggregate classification.
Comment: The BBS4 c.1232T>C variant is predicted to result in the amino acid substitution p.Leu411Pro. To our knowledge, this variant has not been reported in the literature. This variant is reported in 0.029% of alleles in individuals of South Asian descent in gnomAD. At this time, the clinical significance of this variant is uncertain due to the absence of conclusive functional and genetic evidence.

NM_033028.5(BBS4):c.1232T>C (p.Leu411Pro)

Gene: BBS4 (Bardet-Biedl syndrome 4; plus strand). Cytogenetic location: 15q24.1.
Variant type: single nucleotide variant.
Coding change: c.1232T>C on transcript NM_033028.5 (MANE Select); coding-DNA position 1232, T replaced by C.
Protein change: p.Leu411Pro; replaces leucine 411 with proline.
Molecular consequence: missense variant. On other transcripts: non-coding transcript variant (2).
Genome position (GRCh38, 1-based): chr15:72,735,950, T>C. VCF-style: chr15-72735950-T-C. GRCh37 (hg19) VCF-style: chr15-73028291-T-C.
Other names: c.1232T>C (NM_033028.3, NM_033028.4); c.716T>C, p.Leu239Pro (NM_001252678.2); c.1163T>C, p.Leu388Pro (NM_001320665.2); short protein forms L239P, L388P, L411P.
Identifiers: ClinVar variation 1339322 (VCV001339322.6), dbSNP rs569462424, ClinGen allele CA7646954.